The following is an entry in ClinVar:

ClinVar aggregate classification (germline): Likely benign. Review status: criteria provided, multiple submitters, no conflicts (2 of 4 stars). 3 submissions from 3 submitters: Likely benign (2). 1 of the submissions does not count toward it. Last evaluated 2025-07-31.

Conditions:
SYT2-related disorder. Also called: SYT2-related condition.

Allele frequency attached by ClinVar (database versions not stated): gnomAD exomes 0.00003; ExAC 0.00013; ESP Exome Variant Server 0.00015; gnomAD 0.00038; 1000 Genomes Project 0.00040; TOPMed 0.00043; 1000 Genomes Project 30x 0.00047.
gnomAD v4.1: 103 of 1,555,148 alleles (0.0066%); highest among the groups gnomAD compares: African/African-American, 0.13%; 1 homozygote.

Submissions (3):

Labcorp Genetics (formerly Invitae), Labcorp
Classification: Likely benign. Last evaluated: 2025-07-31. Review status: criteria provided, single submitter. Criteria: Invitae Variant Classification Sherloc (09022015). Collection method: clinical testing. Allele origin: germline.

Mayo Clinic Laboratories, Mayo Clinic
Classification: Likely benign. Last evaluated: 2025-07-18. Review status: criteria provided, single submitter. Criteria: ACMG Guidelines, 2015. Collection method: clinical testing. Allele origin: germline. Observed: 1 variant allele.
Comment: BS1, BP4, BP7

PreventionGenetics, part of Exact Sciences
Classification: Likely benign for SYT2-related condition. Last evaluated: 2023-01-20. Review status: no assertion criteria provided. Collection method: clinical testing. Allele origin: germline. Not counted in ClinVar's aggregate classification.
Comment: This variant is classified as likely benign based on ACMG/AMP sequence variant interpretation guidelines (Richards et al. 2015 PMID: 25741868, with internal and published modifications).

NM_177402.5(SYT2):c.465+4T>C

Gene: SYT2 (synaptotagmin 2; minus strand). Cytogenetic location: 1q32.1.
Variant type: single nucleotide variant.
Coding change: c.465+4T>C on transcript NM_177402.5 (MANE Select); 4 bases into the intron after coding-DNA position 465, T replaced by C.
Molecular consequence: intron variant.
Genome position (GRCh38, 1-based): chr1:202,602,995, A>G on the plus strand (T>C on the coding strand, the complement: SYT2 is on the minus strand). VCF-style: chr1-202602995-A-G. GRCh37 (hg19) VCF-style: chr1-202572123-A-G.
Other names: p.?; c.465+4T>C (NM_177402.4, NM_001136504.1).
Identifiers: ClinVar variation 2168565 (VCV002168565.7), dbSNP rs201004156, ClinGen allele CA1333782.